The following is an entry in ClinVar:

ClinVar aggregate classification (germline): Pathogenic/Likely pathogenic. Review status: criteria provided, multiple submitters, no conflicts (2 of 4 stars). 2 submissions from 2 submitters: Pathogenic (1); Likely pathogenic (1). Last evaluated 2024-04-19.

Conditions:
beta Thalassemia (BTHAL). Also called: Cooley's anemia; Erythroblastic anemia; Mediterranean anemia. Identifiers: Orphanet 848, MedGen C0005283, MONDO:0019402. Disease mechanism: loss of function.

Allele frequency attached by ClinVar (database versions not stated): TOPMed 0.00001; gnomAD 0.00001.

Submissions (2):

Quest Diagnostics Nichols Institute San Juan Capistrano
Classification: Pathogenic. Last evaluated: 2024-04-19. Review status: criteria provided, single submitter. Criteria: Quest Diagnostics criteria. Collection method: clinical testing. Allele origin: unknown.
Comment: The HBB c.-136C>T variant is located in the promoter of the beta-globin gene and causes decreased transcription of the beta-globin gene due to decreased binding of transcription factors. It has been reported in the published literature in in a beta-thalassemia patient (PMID: PMID: 14642006 (2003)). The frequency of this variant in the general population, 0.0000066 (1/152136 chromosomes (Genome Aggregation Database)), is consistent with pathogenicity. Based on the available information, this variant is classified as pathogenic.

Women's Health and Genetics/Laboratory Corporation of America, LabCorp
Classification: Likely pathogenic for Beta Thalassemia. Last evaluated: 2011-08-18. Review status: criteria provided, single submitter. Criteria: LabCorp Variant Classification Summary - May 2015. Collection method: curation, clinical testing. Allele origin: germline. Inheritance: autosomal unknown. Affected: yes.
ClinVar note: Converted during submission from likely pathogenic to Likely pathogenic.

Literature cited by the submitters: PubMed 14642006 (cited by Quest Diagnostics Nichols Institute San Juan Capistrano).

NM_000518.4(HBB):c.-136C>T

Genes: HBB (hemoglobin subunit beta; minus strand), LOC106099062 (HBB recombination region; plus strand), LOC107133510 (origin of replication at HBB; plus strand). Cytogenetic location: 11p15.4.
Variant type: single nucleotide variant.
Coding change: c.-136C>T on transcript NM_000518.4; 136 bases upstream of the start codon, C replaced by T.
Genome position (GRCh38, 1-based): chr11:5,227,157, G>A on the plus strand (C>T on the coding strand, the complement: HBB is on the minus strand). VCF-style: chr11-5227157-G-A. GRCh37 (hg19) VCF-style: chr11-5248387-G-A.
Identifiers: ClinVar variation 36284 (VCV000036284.4), dbSNP rs33994806, ClinGen allele CA342842.